The following is an entry in ClinVar:

ClinVar aggregate classification (germline): Uncertain significance. Review status: criteria provided, single submitter (1 of 4 stars). 2 submissions from 2 submitters: Uncertain significance (1). 1 of the submissions does not count toward it. Last evaluated 2023-10-28.

Conditions:
NEFH-related disorder. Also called: NEFH-related condition.

Allele frequency attached by ClinVar (database versions not stated): gnomAD 0.00001 and 0.00002; gnomAD exomes 0.00003 and 0.00005; TOPMed 0.00003; ExAC 0.00004; 1000 Genomes Project 30x 0.00016; 1000 Genomes Project 0.00020.
gnomAD v4.1: 44 of 1,589,520 alleles (0.0028%); highest among the groups gnomAD compares: Admixed American, 0.015%; no homozygotes.

Submissions (2):

Labcorp Genetics (formerly Invitae), Labcorp
Classification: Uncertain significance. Last evaluated: 2023-10-28. Review status: criteria provided, single submitter. Criteria: Invitae Variant Classification Sherloc (09022015). Collection method: clinical testing. Allele origin: germline.
Comment: This sequence change replaces alanine, which is neutral and non-polar, with valine, which is neutral and non-polar, at codon 950 of the NEFH protein (p.Ala950Val). This variant is present in population databases (rs553629461, gnomAD 0.02%). This variant has not been reported in the literature in individuals affected with NEFH-related conditions. ClinVar contains an entry for this variant (Variation ID: 1435169). Advanced modeling of protein sequence and biophysical properties (such as structural, functional, and spatial information, amino acid conservation, physicochemical variation, residue mobility, and thermodynamic stability) performed at Invitae indicates that this missense variant is not expected to disrupt NEFH protein function with a negative predictive value of 95%. In summary, the available evidence is currently insufficient to determine the role of this variant in disease. Therefore, it has been classified as a Variant of Uncertain Significance.

PreventionGenetics, part of Exact Sciences
Classification: Uncertain significance for NEFH-related condition. Last evaluated: 2024-04-10. Review status: no assertion criteria provided. Collection method: clinical testing. Allele origin: germline. Not counted in ClinVar's aggregate classification.
Comment: The NEFH c.2849C>T variant is predicted to result in the amino acid substitution p.Ala950Val. To our knowledge, this variant has not been reported in the literature. This variant is reported in 0.024% of alleles in individuals of Latino descent in gnomAD. At this time, the clinical significance of this variant is uncertain due to the absence of conclusive functional and genetic evidence.

NM_021076.4(NEFH):c.2849C>T (p.Ala950Val)

Gene: NEFH (neurofilament heavy chain; plus strand). Cytogenetic location: 22q12.2.
Variant type: single nucleotide variant.
Coding change: c.2849C>T on transcript NM_021076.4 (MANE Select); coding-DNA position 2849, C replaced by T.
Protein change: p.Ala950Val; replaces alanine 950 with valine.
Molecular consequence: missense variant.
Genome position (GRCh38, 1-based): chr22:29,490,489, C>T. VCF-style: chr22-29490489-C-T. GRCh37 (hg19) VCF-style: chr22-29886478-C-T.
Other names: c.2849C>T (NM_021076.3); short protein forms A950V.
Identifiers: ClinVar variation 1435169 (VCV001435169.7), dbSNP rs553629461, ClinGen allele CA10174498.